The following is an entry in ClinVar:

ClinVar aggregate classification (germline): Conflicting classifications of pathogenicity. Review status: criteria provided, conflicting classifications (1 of 4 stars). 12 submissions from 12 submitters: Uncertain significance (9); Likely benign (1). 2 of the submissions do not count toward it. Last evaluated 2025-10-13.

Conditions:
Hepatocellular carcinoma (HCC). Also called: LIVER CELL CARCINOMA; Primary carcinoma of liver; HEPATOMA. Identifiers: Orphanet 88673, MedGen C2239176, MONDO:0007256, OMIM 114550, HP:0001402.
Familial adenomatous polyposis 1 (FAP1). Also called: POLYPOSIS, ADENOMATOUS INTESTINAL; FAMILIAL ADENOMATOUS POLYPOSIS 1, ATTENUATED. Identifiers: MedGen C2713442, MONDO:0021056, OMIM 175100. Disease mechanism: loss of function.
Gastric cancer. Also called: Malignant tumor of stomach; Stomach cancer. Identifiers: MedGen C0024623, MeSH D013274, MONDO:0001056, OMIM 613659, HP:0012126.
Colorectal cancer. Also called: Malignant Colorectal Neoplasm; Colorectal cancer, somatic. Identifiers: MedGen C0346629, MONDO:0005575, OMIM 114500.
Gastric adenocarcinoma and proximal polyposis of the stomach (GAPPS). Also called: Polyposis, gastric, Dos Santos and de Magalhaes 1980; POLYPOSIS, GASTRIC; Gastric Adenocarcinoma and Proximal Polyposis of the Stomach (GAPPS). Identifiers: Orphanet 314022, MedGen C4749917, MONDO:0017790, OMIM 619182.
Desmoid disease, hereditary (DESMD). Also called: FIBROMATOSIS, FAMILIAL INFILTRATIVE. Identifiers: Orphanet 873, MedGen C1851124, OMIM 135290. Disease mechanism: loss of function.
Classic or attenuated familial adenomatous polyposis. Identifiers: MedGen CN372698, MONDO:0021057.
Hereditary cancer-predisposing syndrome. Also called: Tumor predisposition; Hereditary neoplastic syndrome; Neoplastic Syndromes, Hereditary; Hereditary Cancer Syndrome. Identifiers: Orphanet 140162, MedGen C0027672, MeSH D009386, MONDO:0015356.

Allele frequency attached by ClinVar (database versions not stated): TOPMed below 0.00001; gnomAD exomes 0.00001 and 0.00003.
gnomAD v4.1: 19 of 1,613,802 alleles (0.0012%); no homozygotes.

Submissions (12):

Labcorp Genetics (formerly Invitae), Labcorp
Classification: Likely benign for Familial adenomatous polyposis 1. Last evaluated: 2025-10-13. Review status: criteria provided, single submitter. Criteria: Invitae Variant Classification Sherloc (09022015). Collection method: clinical testing. Allele origin: germline.

GeneDx
Classification: Uncertain significance. Last evaluated: 2025-07-17. Review status: criteria provided, single submitter. Criteria: GeneDx Variant Classification Process June 2021. Collection method: clinical testing. Allele origin: germline.
Comment: In silico analysis supports that this missense variant has a deleterious effect on protein structure/function; Has not been previously published as pathogenic or benign to our knowledge; This variant is associated with the following publications: (PMID: 22703879, 25203624, 18199528)

Ambry Genetics
Classification: Uncertain significance for Hereditary cancer-predisposing syndrome. Last evaluated: 2025-01-14. Review status: criteria provided, single submitter. Criteria: Ambry Variant Classification Scheme 2023. Collection method: clinical testing. Allele origin: germline.
Comment: The p.R499G variant (also known as c.1495C>G), located in coding exon 11 of the APC gene, results from a C to G substitution at nucleotide position 1495. The arginine at codon 499 is replaced by glycine, an amino acid with dissimilar properties. Missense alterations in APC are not a common cause of disease (Spier I et al. Genet Med. 2024 Feb;26(2):100992). This amino acid position is highly conserved in available vertebrate species. In addition, in silico predictors for this gene do not accurately predict pathogenicity. Based on the available evidence, the clinical significance of this variant remains unclear.

Color Diagnostics, LLC DBA Color Health
Classification: Uncertain significance for Hereditary cancer-predisposing syndrome. Last evaluated: 2024-04-29. Review status: criteria provided, single submitter. Criteria: ACMG Guidelines, 2015. Collection method: clinical testing. Allele origin: germline.
Comment: This missense variant replaces arginine with glycine at codon 499 of the APC protein. Computational prediction is inconclusive regarding the impact of this variant on protein structure and function (internally defined REVEL score threshold 0.5 < inconclusive < 0.7, PMID: 27666373). To our knowledge, functional studies have not been reported for this variant. This variant has not been reported in individuals affected with APC-related disorders in the literature, but has been found in individuals selected for non-cancer phenotypes (PMID: 25203624, 22703879). This variant has been identified in 7/251260 chromosomes in the general population by the Genome Aggregation Database (gnomAD). The available evidence is insufficient to determine the role of this variant in disease conclusively. Therefore, this variant is classified as a Variant of Uncertain Significance.

Fulgent Genetics
Classification: Uncertain significance for Colorectal cancer; Hepatocellular carcinoma; Desmoid disease, hereditary; Familial adenomatous polyposis 1; Gastric cancer; Gastric adenocarcinoma and proximal polyposis of the stomach. Last evaluated: 2024-01-22. Review status: criteria provided, single submitter. Criteria: ACMG Guidelines, 2015. Collection method: clinical testing. Allele origin: germline.

All of Us Research Program, National Institutes of Health
Classification: Uncertain significance for Classic or attenuated familial adenomatous polyposis. Last evaluated: 2023-12-01. Review status: criteria provided, single submitter. Criteria: ACMG Guidelines, 2015. Collection method: clinical testing. Allele origin: germline. Inheritance: Autosomal dominant inheritance. Observed: 9 variant alleles, 9 heterozygotes.
Comment: This missense variant replaces arginine with glycine at codon 499 of the APC protein. Computational prediction is inconclusive regarding the impact of this variant on protein structure and function (internally defined REVEL score threshold 0.5 < inconclusive < 0.7, PMID: 27666373). To our knowledge, functional studies have not been reported for this variant. This variant has not been reported in individuals affected with APC-related disorders in the literature, but has been found in individuals selected for non-cancer phenotypes (PMID: 25203624, 22703879). This variant has been identified in 7/251260 chromosomes in the general population by the Genome Aggregation Database (gnomAD). The available evidence is insufficient to determine the role of this variant in disease conclusively. Therefore, this variant is classified as a Variant of Uncertain Significance.

This study involves interpretation of variants in research participants for the purpose of population health screening. Participant phenotype was not available at the time of variant classification. Additional details can be found in publication PMID: 35346344, PMCID: PMC8962531

Baylor Genetics
Classification: Uncertain significance for Familial adenomatous polyposis 1. Last evaluated: 2023-08-24. Review status: criteria provided, single submitter. Criteria: ACMG Guidelines, 2015. Collection method: clinical testing. Allele origin: unknown.

Myriad Genetics, Inc.
Classification: Uncertain significance for Familial adenomatous polyposis 1. Last evaluated: 2023-02-23. Review status: criteria provided, single submitter. Criteria: Myriad Autosomal Dominant, Autosomal Recessive and X-Linked Classification Criteria (2023). Collection method: clinical testing. Allele origin: unknown.
Comment: This variant is classified as a variant of uncertain significance as there is insufficient evidence to determine its impact on protein function and/or cancer risk.

Women's Health and Genetics/Laboratory Corporation of America, LabCorp
Classification: Uncertain significance. Last evaluated: 2019-10-31. Review status: criteria provided, single submitter. Criteria: LabCorp Variant Classification Summary - May 2015. Collection method: clinical testing. Allele origin: germline.
Comment: Variant summary: APC c.1495C>G (p.Arg499Gly) results in a non-conservative amino acid change located in the Armadillo repeats of the encoded protein sequence. Five of five in-silico tools predict a damaging effect of the variant on protein function. The variant allele was found at a frequency of 2.8e-05 in 251260 control chromosomes. The available data on variant occurrences in the general population are insufficient to allow any conclusion about variant significance. c.1495C>G has not been reported in the literature in individuals affected with Familial Adenomatous Polyposis nor, to our knowledge, has experimental evidence demonstrating an impact on protein function been reported. Five clinical diagnostic laboratories have submitted clinical-significance assessments for this variant to ClinVar after 2014 without evidence for independent evaluation. All laboratories classified the variant as uncertain significance. Based on the evidence outlined above, the variant was classified as uncertain significance.

Quest Diagnostics Nichols Institute San Juan Capistrano
Classification: Uncertain significance. Last evaluated: 2018-05-22. Review status: criteria provided, single submitter. Criteria: Quest Diagnostics criteria. Collection method: clinical testing. Allele origin: germline.

Counsyl
Classification: Uncertain significance for Familial adenomatous polyposis 1. Last evaluated: 2018-03-01. Review status: no assertion criteria provided. Collection method: clinical testing. Allele origin: unknown. Not counted in ClinVar's aggregate classification.

Biesecker Lab/Clinical Genomics Section, National Institutes of Health
Classification: Uncertain significance. Last evaluated: 2012-07-13. Review status: no assertion criteria provided. Collection method: research. Allele origin: germline. Affected: no. Observed: 1 variant allele. Study: ClinSeq. Not counted in ClinVar's aggregate classification.
ClinVar note: Converted during submission from variant of unknown significance to Uncertain significance.

Literature cited by the submitters: PubMed 25203624 (cited by Color Diagnostics, LLC DBA Color Health and All of Us Research Program, National Institutes of Health).

NM_000038.6(APC):c.1495C>G (p.Arg499Gly)

Gene: APC (APC regulator of Wnt signaling pathway; plus strand). Cytogenetic location: 5q22.2.
Variant type: single nucleotide variant.
Coding change: c.1495C>G on transcript NM_000038.6 (MANE Select); coding-DNA position 1495, C replaced by G.
Protein change: p.Arg499Gly; replaces arginine 499 with glycine.
Molecular consequence: missense variant.
Genome position (GRCh38, 1-based): chr5:112,827,194, C>G. VCF-style: chr5-112827194-C-G. GRCh37 (hg19) VCF-style: chr5-112162891-C-G.
Other names: c.1495C>G, p.Arg499Gly (NM_001127510.3, NM_001354895.2); c.1441C>G, p.Arg481Gly (NM_001127511.3); c.1549C>G, p.Arg517Gly (NM_001354896.2); c.1525C>G, p.Arg509Gly (NM_001354897.2); c.1420C>G, p.Arg474Gly (NM_001354898.2); c.1411C>G, p.Arg471Gly (NM_001354899.2); c.1372C>G, p.Arg458Gly (NM_001354900.2); c.1318C>G, p.Arg440Gly (NM_001354901.2); and 5 more; short protein forms R499G, R481G, R339G, R216G, R373G, R458G, R517G, R398G.
Identifiers: ClinVar variation 41518 (VCV000041518.33), dbSNP rs137854580, ClinGen allele CA005217.